The following is an entry in ClinVar:

NM_002693.3(POLG):c.1057G>A (p.Val353Ile)

Gene: POLG (DNA polymerase gamma, catalytic subunit; minus strand). Cytogenetic location: 15q26.1.
Variant type: single nucleotide variant.
Coding change: c.1057G>A on transcript NM_002693.3 (MANE Select); coding-DNA position 1057, G replaced by A.
Protein change: p.Val353Ile; replaces valine 353 with isoleucine.
Molecular consequence: missense variant.
Genome position (GRCh38, 1-based): chr15:89,328,798, C>T on the plus strand (G>A on the coding strand, the complement: POLG is on the minus strand). VCF-style: chr15-89328798-C-T. GRCh37 (hg19) VCF-style: chr15-89872029-C-T.
Other names: c.1057G>A, p.Val353Ile (NM_001126131.2); short protein forms V353I.
Identifiers: ClinVar variation 888286 (VCV000888286.6), dbSNP rs1319774669, ClinGen allele CA393765077.

ClinVar aggregate classification (germline): Uncertain significance. Review status: criteria provided, multiple submitters, no conflicts (2 of 4 stars). 2 submissions from 2 submitters: Uncertain significance (2). Last evaluated 2022-03-19.

Conditions:
POLG-related disorder. Also called: POLG-related condition; POLG-Related Disorders; POLG-Related Spectrum Disorders. Identifiers: MedGen C4763519.
Progressive sclerosing poliodystrophy (MTDPS4A). Also called: Alpers Syndrome; ALPERS DIFFUSE DEGENERATION OF CEREBRAL GRAY MATTER WITH HEPATIC CIRRHOSIS; ALPERS PROGRESSIVE INFANTILE POLIODYSTROPHY; NEURONAL DEGENERATION OF CHILDHOOD WITH LIVER DISEASE, PROGRESSIVE; Alpers-Huttenlocher Syndrome; Mitochondrial DNA depletion syndrome 4A (Alpers type). Identifiers: Orphanet 726, MedGen C0205710, MONDO:0008758, OMIM 203700.

Allele frequency attached by ClinVar (database versions not stated): gnomAD exomes below 0.00001 and 0.00001; TOPMed 0.00001.
gnomAD v4.1: 1 of 1,614,176 alleles (0.000062%); highest among the groups gnomAD compares: East Asian, 0.0022%; no homozygotes.

Submissions (2):

Labcorp Genetics (formerly Invitae), Labcorp
Classification: Uncertain significance for Progressive sclerosing poliodystrophy. Last evaluated: 2022-03-19. Review status: criteria provided, single submitter. Criteria: Invitae Variant Classification Sherloc (09022015). Collection method: clinical testing. Allele origin: germline.
Comment: This sequence change replaces valine, which is neutral and non-polar, with isoleucine, which is neutral and non-polar, at codon 353 of the POLG protein (p.Val353Ile). This variant is present in population databases (no rsID available, gnomAD 0.01%). This variant has not been reported in the literature in individuals affected with POLG-related conditions. ClinVar contains an entry for this variant (Variation ID: 888286). Algorithms developed to predict the effect of missense changes on protein structure and function output the following: SIFT: "Tolerated"; PolyPhen-2: "Benign"; Align-GVGD: "Class C0". The isoleucine amino acid residue is found in multiple mammalian species, which suggests that this missense change does not adversely affect protein function. In summary, the available evidence is currently insufficient to determine the role of this variant in disease. Therefore, it has been classified as a Variant of Uncertain Significance.

Illumina Laboratory Services, Illumina
Classification: Uncertain significance for POLG-Related Spectrum Disorders. Last evaluated: 2018-01-13. Review status: criteria provided, single submitter. Criteria: ICSL Variant Classification Criteria 13 December 2019. Collection method: clinical testing. Allele origin: germline.